The following is an entry in ClinVar:

ClinVar aggregate classification (germline): Uncertain significance. Review status: criteria provided, multiple submitters, no conflicts (2 of 4 stars). 2 submissions from 2 submitters: Uncertain significance (2). Last evaluated 2023-01-30.

Conditions:
Early-infantile DEE. Also called: Early infantile epileptic encephalopathy with suppression bursts; Ohtahara syndrome; Early infantile epileptic encephalopathy. Identifiers: Orphanet 1934, MedGen C0393706, MONDO:0800491.

Allele frequency attached by ClinVar (database versions not stated): gnomAD exomes 0.00001; ExAC 0.00003.
gnomAD v4.1: 4 of 1,613,932 alleles (0.00025%); highest among the groups gnomAD compares: Non-Finnish European, 0.00025%; no homozygotes.

Submissions (2):

GeneDx
Classification: Uncertain significance. Last evaluated: 2023-01-30. Review status: criteria provided, single submitter. Criteria: GeneDx Variant Classification Process June 2021. Collection method: clinical testing. Allele origin: germline. Affected: yes.
Comment: Reported in an infant with febrile seizures in published literature (Mller et al., 2016); Not observed at significant frequency in large population cohorts (gnomAD); This substitution is predicted to be within the C-terminal cytoplasmic domain; Missense variants in this gene are often considered pathogenic (HGMD); In silico analysis supports that this missense variant has a deleterious effect on protein structure/function; This variant is associated with the following publications: (PMID: 27781031)

Labcorp Genetics (formerly Invitae), Labcorp
Classification: Uncertain significance for Early-infantile DEE. Last evaluated: 2022-03-28. Review status: criteria provided, single submitter. Criteria: Invitae Variant Classification Sherloc (09022015). Collection method: clinical testing. Allele origin: germline.
Comment: This sequence change replaces alanine, which is neutral and non-polar, with threonine, which is neutral and polar, at codon 1925 of the SCN1A protein (p.Ala1925Thr). This variant is present in population databases (rs761690089, gnomAD 0.004%). This missense change has been observed in individual(s) with recurrent long-lasting febrile seizures (PMID: 27781031). Advanced modeling of protein sequence and biophysical properties (such as structural, functional, and spatial information, amino acid conservation, physicochemical variation, residue mobility, and thermodynamic stability) performed at Invitae indicates that this missense variant is expected to disrupt SCN1A protein function. In summary, the available evidence is currently insufficient to determine the role of this variant in disease. Therefore, it has been classified as a Variant of Uncertain Significance.

Literature cited by the submitters: PubMed 27781031 (cited by Labcorp Genetics (formerly Invitae), Labcorp).

NM_001165963.4(SCN1A):c.5773G>A (p.Ala1925Thr)

Genes: SCN1A (sodium voltage-gated channel alpha subunit 1; minus strand), LOC102724058 (uncharacterized LOC102724058; plus strand). Cytogenetic location: 2q24.3.
Variant type: single nucleotide variant.
Coding change: c.5773G>A on transcript NM_001165963.4 (MANE Select); coding-DNA position 5773, G replaced by A.
Protein change: p.Ala1925Thr; replaces alanine 1925 with threonine.
Molecular consequence: missense variant. On other transcripts: non-coding transcript variant (1).
Genome position (GRCh38, 1-based): chr2:165,991,502, C>T on the plus strand (G>A on the coding strand, the complement: SCN1A is on the minus strand). VCF-style: chr2-165991502-C-T. GRCh37 (hg19) VCF-style: chr2-166848012-C-T.
Other names: c.5773G>A (NM_001165963.1); c.5689G>A, p.Ala1897Thr (NM_001165964.3, NM_001353957.2, NM_001353958.2); c.5773G>A, p.Ala1925Thr (NM_001202435.3, NM_001353948.2); c.5740G>A, p.Ala1914Thr (NM_001353949.2, NM_001353950.2, NM_001353951.2 and 2 more transcripts); c.5737G>A, p.Ala1913Thr (NM_001353954.2, NM_001353955.2); c.5686G>A, p.Ala1896Thr (NM_001353960.2); c.3331G>A, p.Ala1111Thr (NM_001353961.2); short protein forms A1896T, A1897T, A1913T, A1914T, A1925T, A1111T.
Identifiers: ClinVar variation 2073802 (VCV002073802.5), dbSNP rs761690089, ClinGen allele CA1942644.